The following is an entry in ClinVar:

NM_003664.5(AP3B1):c.2131G>A (p.Asp711Asn)

Gene: AP3B1 (adaptor related protein complex 3 subunit beta 1; minus strand). Cytogenetic location: 5q14.1.
Variant type: single nucleotide variant.
Coding change: c.2131G>A on transcript NM_003664.5 (MANE Select); coding-DNA position 2131, G replaced by A.
Protein change: p.Asp711Asn; replaces aspartic acid 711 with asparagine.
Molecular consequence: missense variant.
Genome position (GRCh38, 1-based): chr5:78,113,870, C>T on the plus strand (G>A on the coding strand, the complement: AP3B1 is on the minus strand). VCF-style: chr5-78113870-C-T. GRCh37 (hg19) VCF-style: chr5-77409694-C-T.
Other names: c.1984G>A, p.Asp662Asn (NM_001271769.2); c.2131G>A, p.Asp711Asn (NM_001410752.1); short protein forms D711N, D662N.
Identifiers: ClinVar variation 3703636 (VCV003703636.1).

ClinVar aggregate classification (germline): Uncertain significance (1 of 4 stars; one submission).

Conditions:
Hermansky-Pudlak syndrome 2 (HPS2). Also called: Platelet defects and oculocutaneous albinism. Identifiers: Orphanet 183678, Orphanet 79430, MedGen C1842362, MONDO:0011997, OMIM 608233.

gnomAD v4.1: 2 of 1,614,216 alleles (0.00012%); highest among the groups gnomAD compares: African/African-American, 0.0013%; no homozygotes.

Submission:

Labcorp Genetics (formerly Invitae), Labcorp
Classification: Uncertain significance for Hermansky-Pudlak syndrome 2. Last evaluated: 2024-06-26. Review status: criteria provided, single submitter. Criteria: Invitae Variant Classification Sherloc (09022015). Collection method: clinical testing. Allele origin: germline.
Comment: This sequence change replaces aspartic acid, which is acidic and polar, with asparagine, which is neutral and polar, at codon 711 of the AP3B1 protein (p.Asp711Asn). This variant is present in population databases (rs374928061, gnomAD 0.01%). This variant has not been reported in the literature in individuals affected with AP3B1-related conditions. Algorithms developed to predict the effect of missense changes on protein structure and function output the following: SIFT: "Not Available"; PolyPhen-2: "Possibly Damaging"; Align-GVGD: "Not Available". The asparagine amino acid residue is found in multiple mammalian species, which suggests that this missense change does not adversely affect protein function. In summary, the available evidence is currently insufficient to determine the role of this variant in disease. Therefore, it has been classified as a Variant of Uncertain Significance.